The following is an entry in ClinVar:

NM_001267550.2(TTN):c.105881C>T (p.Ala35294Val)

Genes: TTN (titin; minus strand), TTN-AS1 (TTN antisense RNA 1; plus strand), LOC129935183 (ATAC-STARR-seq lymphoblastoid active region 16808; plus strand). Cytogenetic location: 2q31.2.
Variant type: single nucleotide variant.
Coding change: c.105881C>T on transcript NM_001267550.2 (MANE Select); coding-DNA position 105881, C replaced by T.
Protein change: p.Ala35294Val; replaces alanine 35294 with valine.
Molecular consequence: missense variant.
Genome position (GRCh38, 1-based): chr2:178,530,734, G>A on the plus strand (C>T on the coding strand, the complement: TTN is on the minus strand). VCF-style: chr2-178530734-G-A. GRCh37 (hg19) VCF-style: chr2-179395461-G-A.
Other names: c.78686C>T, p.Ala26229Val (NM_003319.4); c.98177C>T, p.Ala32726Val (NM_133378.4); c.79061C>T, p.Ala26354Val (NM_133432.3); c.79262C>T, p.Ala26421Val (NM_133437.4); c.100958C>T, p.Ala33653Val (NM_001256850.1); short protein forms A33653V, A26229V, A26421V, A26354V, A32726V, A35294V.
Identifiers: ClinVar variation 2940840 (VCV002940840.3), dbSNP rs569210689, ClinGen allele CA1985191.

ClinVar aggregate classification (germline): Uncertain significance (1 of 4 stars; one submission).

Conditions:
Dilated cardiomyopathy 1G (CMD1G). Identifiers: Orphanet 154, MedGen C1858763, MONDO:0011400, OMIM 604145.
Autosomal recessive limb-girdle muscular dystrophy type 2J (LGMDR10). Also called: Limb-girdle muscular dystrophy, type 2J; MUSCULAR DYSTROPHY, LIMB-GIRDLE, AUTOSOMAL RECESSIVE 10. Identifiers: Orphanet 140922, MedGen C1837342, MONDO:0012127, OMIM 608807.

Allele frequency attached by ClinVar (database versions not stated): gnomAD 0.00001; ExAC 0.00004; 1000 Genomes Project 30x 0.00016; 1000 Genomes Project 0.00020.
gnomAD v4.1: 13 of 1,613,906 alleles (0.00081%); highest among the groups gnomAD compares: South Asian, 0.014%; no homozygotes.

Submission:

Labcorp Genetics (formerly Invitae), Labcorp
Classification: Uncertain significance for Dilated cardiomyopathy 1G; Autosomal recessive limb-girdle muscular dystrophy type 2J. Last evaluated: 2023-07-10. Review status: criteria provided, single submitter. Criteria: Invitae Variant Classification Sherloc (09022015). Collection method: clinical testing. Allele origin: germline.
Comment: In summary, the available evidence is currently insufficient to determine the role of this variant in disease. Therefore, it has been classified as a Variant of Uncertain Significance. This sequence change replaces alanine, which is neutral and non-polar, with valine, which is neutral and non-polar, at codon 35294 of the TTN protein (p.Ala35294Val). This variant is present in population databases (rs569210689, gnomAD 0.02%). This variant has not been reported in the literature in individuals affected with TTN-related conditions. Algorithms developed to predict the effect of missense changes on protein structure and function output the following: SIFT: "Not Available"; PolyPhen-2: "Not Available"; Align-GVGD: "Not Available". The valine amino acid residue is found in multiple mammalian species, which suggests that this missense change does not adversely affect protein function. This variant is located in the M band of TTN (PMID: 25589632). Variants in this region may be relevant for neuromuscular disorders, but have not been definitively shown to cause cardiomyopathy (PMID: 23975875).

Literature cited by the submitters: PubMed 25589632; PubMed 23975875.